The following is an entry in ClinVar:

ClinVar aggregate classification (germline): Benign. Review status: criteria provided, multiple submitters, no conflicts (2 of 4 stars). 11 submissions from 11 submitters: Benign (8). 3 of the submissions do not count toward it. Last evaluated 2026-02-04.

Conditions:
Pontoneocerebellar hypoplasia. Also called: Non-syndromic pontocerebellar hypoplasia; Pontocerebellar hypoplasia. Identifiers: Orphanet 98523, MedGen C1261175, MONDO:0020135.

Allele frequency attached by ClinVar (database versions not stated): 1000 Genomes Project 30x 0.02155; 1000 Genomes Project 0.02276; TOPMed 0.03601; gnomAD 0.04116 and 0.04141; ESP Exome Variant Server 0.04190.
gnomAD v4.1: 85,583 of 1,614,038 alleles (5.3%); highest among the groups gnomAD compares: Non-Finnish European, 5.7%; 2,598 homozygotes.

Submissions (11):

Labcorp Genetics (formerly Invitae), Labcorp
Classification: Benign. Last evaluated: 2026-02-04. Review status: criteria provided, single submitter. Criteria: Invitae Variant Classification Sherloc (09022015). Collection method: clinical testing. Allele origin: germline.

Blueprint Genetics
Classification: Benign. Last evaluated: 2024-11-28. Review status: criteria provided, single submitter. Criteria: ACMG Guidelines, 2015. Collection method: clinical testing. Allele origin: germline.

Illumina Laboratory Services, Illumina
Classification: Benign for Pontoneocerebellar hypoplasia. Last evaluated: 2018-01-13. Review status: criteria provided, single submitter. Criteria: ICSL Variant Classification Criteria 13 December 2019. Collection method: clinical testing. Allele origin: germline.
Comment: This variant was observed in the ICSL laboratory as part of a predisposition screen in an ostensibly healthy population. It had not been previously curated by ICSL or reported in the Human Gene Mutation Database (HGMD: prior to June 1st, 2018), and was therefore a candidate for classification through an automated scoring system. Utilizing variant allele frequency, disease prevalence and penetrance estimates, and inheritance mode, an automated score was calculated to assess if this variant is too frequent to cause the disease. Based on the score and internal cut-off values, a variant classified as benign is not then subjected to further curation. The score for this variant resulted in a classification of benign for this disease.

Athena Diagnostics
Classification: Benign. Last evaluated: 2017-06-14. Review status: criteria provided, single submitter. Criteria: Athena Diagnostics Criteria. Collection method: clinical testing. Allele origin: germline.

GeneDx
Classification: Benign. Last evaluated: 2014-04-15. Review status: criteria provided, single submitter. Criteria: GeneDx Variant Classification (06012015). Collection method: clinical testing. Allele origin: germline. Affected: yes.
Comment: This variant is considered likely benign or benign based on one or more of the following criteria: it is a conservative change, it occurs at a poorly conserved position in the protein, it is predicted to be benign by multiple in silico algorithms, and/or has population frequency not consistent with disease.

Genetic Services Laboratory, University of Chicago
Classification: Benign. Last evaluated: 2013-02-08. Review status: criteria provided, single submitter. Criteria: ACMG Guidelines, 2007. Collection method: clinical testing. Allele origin: germline. Inheritance: Autosomal recessive inheritance.

Breakthrough Genomics
Classification: Benign. Review status: criteria provided, single submitter. Criteria: ACMG Guidelines, 2015. Collection method: not provided. Allele origin: germline. Inheritance: Autosomal recessive inheritance. Affected: yes.

PreventionGenetics, part of Exact Sciences
Classification: Benign. Review status: criteria provided, single submitter. Criteria: ACMG Guidelines, 2015. Collection method: clinical testing. Allele origin: germline.

Clinical Genetics DNA and cytogenetics Diagnostics Lab, Erasmus MC, Erasmus Medical Center
Classification: Benign. Review status: no assertion criteria provided. Collection method: clinical testing. Allele origin: germline. Affected: yes. Study: VKGL Data-share Consensus. Not counted in ClinVar's aggregate classification.

Clinical Genetics, Academic Medical Center
Classification: Likely benign. Review status: no assertion criteria provided. Collection method: clinical testing. Allele origin: germline. Affected: yes. Study: VKGL Data-share Consensus. Not counted in ClinVar's aggregate classification.

Joint Genome Diagnostic Labs from Nijmegen and Maastricht, Radboudumc and MUMC+
Classification: Benign. Review status: no assertion criteria provided. Collection method: clinical testing. Allele origin: germline. Affected: yes. Study: VKGL Data-share Consensus. Not counted in ClinVar's aggregate classification.

NM_207346.3(TSEN54):c.568G>A (p.Val190Met)

Gene: TSEN54 (tRNA splicing endonuclease subunit 54; plus strand). Cytogenetic location: 17q25.1.
Variant type: single nucleotide variant.
Coding change: c.568G>A on transcript NM_207346.3 (MANE Select); coding-DNA position 568, G replaced by A.
Protein change: p.Val190Met; replaces valine 190 with methionine.
Molecular consequence: missense variant.
Genome position (GRCh38, 1-based): chr17:75,521,455, G>A. VCF-style: chr17-75521455-G-A. GRCh37 (hg19) VCF-style: chr17-73517536-G-A.
Other names: p.V190M:GTG>ATG; short protein forms V190M.
Identifiers: ClinVar variation 137758 (VCV000137758.26), dbSNP rs79508780, ClinGen allele CA173735.